The following is an entry in ClinVar:

NM_001173467.3(SP7):c.748C>T (p.Arg250Trp)

Gene: SP7 (Sp7 transcription factor; minus strand). Cytogenetic location: 12q13.13.
Variant type: single nucleotide variant.
Coding change: c.748C>T on transcript NM_001173467.3 (MANE Select); coding-DNA position 748, C replaced by T.
Protein change: p.Arg250Trp; replaces arginine 250 with tryptophan.
Molecular consequence: missense variant.
Genome position (GRCh38, 1-based): chr12:53,328,694, G>A on the plus strand (C>T on the coding strand, the complement: SP7 is on the minus strand). VCF-style: chr12-53328694-G-A. GRCh37 (hg19) VCF-style: chr12-53722478-G-A.
Other names: c.694C>T, p.Arg232Trp (NM_001300837.2); c.748C>T, p.Arg250Trp (NM_152860.2); short protein forms R232W, R250W.
Identifiers: ClinVar variation 2093271 (VCV002093271.1), dbSNP rs1433588924, ClinGen allele CA385052626.

ClinVar aggregate classification (germline): Uncertain significance (1 of 4 stars; one submission).

Submission:

Labcorp Genetics (formerly Invitae), Labcorp
Classification: Uncertain significance. Last evaluated: 2022-10-07. Review status: criteria provided, single submitter. Criteria: Invitae Variant Classification Sherloc (09022015). Collection method: clinical testing. Allele origin: germline.
Comment: This sequence change replaces arginine, which is basic and polar, with tryptophan, which is neutral and slightly polar, at codon 250 of the SP7 protein (p.Arg250Trp). This variant is present in population databases (no rsID available, gnomAD 0.006%). This variant has not been reported in the literature in individuals affected with SP7-related conditions. Algorithms developed to predict the effect of missense changes on protein structure and function (SIFT, PolyPhen-2, Align-GVGD) all suggest that this variant is likely to be disruptive. In summary, the available evidence is currently insufficient to determine the role of this variant in disease. Therefore, it has been classified as a Variant of Uncertain Significance.